The following is an entry in ClinVar:

NM_005918.4(MDH2):c.782C>T (p.Ser261Phe)

Gene: MDH2 (malate dehydrogenase 2; plus strand). Cytogenetic location: 7q11.23.
Variant type: single nucleotide variant.
Coding change: c.782C>T on transcript NM_005918.4 (MANE Select); coding-DNA position 782, C replaced by T.
Protein change: p.Ser261Phe; replaces serine 261 with phenylalanine.
Molecular consequence: missense variant.
Genome position (GRCh38, 1-based): chr7:76,064,850, C>T. VCF-style: chr7-76064850-C-T. GRCh37 (hg19) VCF-style: chr7-75694168-C-T.
Other names: c.656C>T, p.Ser219Phe (NM_001282403.2); c.461C>T, p.Ser154Phe (NM_001282404.2); short protein forms S261F, S154F, S219F.
Identifiers: ClinVar variation 1760799 (VCV001760799.2), dbSNP rs1554587599, ClinGen allele CA367768225.

ClinVar aggregate classification (germline): Uncertain significance (1 of 4 stars; one submission).

Conditions:
Inborn genetic diseases. Identifiers: MedGen C0950123, MeSH D030342.

Allele frequency attached by ClinVar (database versions not stated): gnomAD exomes below 0.00001.
gnomAD v4.1: 2 of 1,614,170 alleles (0.00012%); highest among the groups gnomAD compares: Admixed American, 0.0017%; no homozygotes.

Submission:

Ambry Genetics
Classification: Uncertain significance for Inborn genetic diseases. Last evaluated: 2022-05-27. Review status: criteria provided, single submitter. Criteria: Ambry Variant Classification Scheme 2023. Collection method: clinical testing. Allele origin: germline.
Comment: The p.S261F variant (also known as c.782C>T), located in coding exon 8 of the MDH2 gene, results from a C to T substitution at nucleotide position 782. The serine at codon 261 is replaced by phenylalanine, an amino acid with highly dissimilar properties. This amino acid position is conserved. In addition, this alteration is predicted to be deleterious by in silico analysis. Since supporting evidence is limited at this time, the clinical significance of this alteration remains unclear.